The following is an entry in ClinVar:

ClinVar aggregate classification (germline): Uncertain significance (1 of 4 stars; one submission).

Conditions:
Inborn genetic diseases. Identifiers: MedGen C0950123, MeSH D030342.

Submission:

Ambry Genetics
Classification: Uncertain significance for Inborn genetic diseases. Last evaluated: 2018-09-21. Review status: criteria provided, single submitter. Criteria: Ambry Variant Classification Scheme 2023. Collection method: clinical testing. Allele origin: germline.
Comment: The p.M179T variant (also known as c.536T>C), located in coding exon 6 of the GOSR2 gene, results from a T to C substitution at nucleotide position 536. The methionine at codon 179 is replaced by threonine, an amino acid with similar properties. This amino acid position is highly conserved in available vertebrate species. In addition, this alteration is predicted to be deleterious by in silico analysis. Since supporting evidence is limited at this time, the clinical significance of this alteration remains unclear.

NM_004287.5(GOSR2):c.536T>C (p.Met179Thr)

Genes: GOSR2 (golgi SNAP receptor complex member 2; plus strand), LRRC37A2 (leucine rich repeat containing 37 member A2). Cytogenetic location: 17q21.32.
Variant type: single nucleotide variant.
Coding change: c.536T>C on transcript NM_004287.5 (MANE Select); coding-DNA position 536, T replaced by C.
Protein change: p.Met179Thr; replaces methionine 179 with threonine.
Molecular consequence: missense variant. On other transcripts: non-coding transcript variant (3).
Genome position (GRCh38, 1-based): chr17:46,938,657, T>C. VCF-style: chr17-46938657-T-C. GRCh37 (hg19) VCF-style: chr17-45016023-T-C.
Other names: c.536T>C, p.Met179Thr (NM_001321133.2, NM_054022.4); c.341T>C, p.Met114Thr (NM_001321134.2); c.395T>C, p.Met132Thr (NM_001330252.2); c.533T>C, p.Met178Thr (NM_001353114.2); c.392T>C, p.Met131Thr (NM_001353115.2, NM_001353116.2); c.482T>C, p.Met161Thr (NM_001363851.2); short protein forms M161T, M114T, M131T, M179T, M132T, M178T.
Identifiers: ClinVar variation 1747100 (VCV001747100.2), dbSNP rs2546345188, ClinGen allele CA400019026.